The following is an entry in ClinVar:

NM_000492.3(CFTR):c.1210-12T[9]

Genes: CFTR (CF transmembrane conductance regulator; plus strand), CFTR-AS1 (CFTR antisense RNA 1; minus strand). Cytogenetic location: 7q31.2.
Variant type: Duplication.
Coding change: c.1210-12T[9] on transcript NM_000492.3; nine copies in a row of the base T starting at c.1210-12; the reference has seven copies in a row; two copies duplicated.
Molecular consequence: intron variant (on NM_000492.4).
Genome position (GRCh38, 1-based): chr7:117,548,634-117,548,635, TT duplicated; duplicating any 2 consecutive bases within chr7:117,548,629-117,548,635 gives the same sequence; the position shown is the placement nearest the transcript's 3' end. VCF-style (leftmost placement, unchanged base first): chr7-117548628-G-GTT. GRCh37 (hg19) VCF-style: chr7-117188682-G-GTT.
Other names: NM_000492.3(CFTR):c.1210-12_1210-6T[9]; 5T/7T/9T; p.?; c.1210-12T[9] (NM_000492.4); c.1210-7_1210-6dup (NM_000492.4); c.1210-6_1210-5insTT (NM_000492.3); c.1210-13_1210-12insTT (NM_000492.3).
Identifiers: ClinVar variation 161188 (VCV000161188.39), dbSNP rs1805177, ClinGen allele CA175539.

ClinVar aggregate classification (germline): Benign/Likely benign. Review status: criteria provided, multiple submitters, no conflicts (2 of 4 stars). 13 submissions from 13 submitters: Benign (7); Likely benign (3). 3 of the submissions do not count toward it. Last evaluated 2025-08-29.

Conditions:
Inborn genetic diseases. Identifiers: MedGen C0950123, MeSH D030342.
Cystic fibrosis (CF). Also called: MUCOVISCIDOSIS. Identifiers: Orphanet 586, MedGen C0010674, MONDO:0009061, OMIM 219700. Disease mechanism: loss of function.

Submissions (13):

Mayo Clinic Laboratories, Mayo Clinic
Classification: Benign. Last evaluated: 2025-08-29. Review status: criteria provided, single submitter. Criteria: ACMG Guidelines, 2015. Collection method: clinical testing. Allele origin: germline. Observed: 578 variant alleles.

ARUP Laboratories, Molecular Genetics and Genomics, ARUP Laboratories
Classification: Benign. Last evaluated: 2025-07-31. Review status: criteria provided, single submitter. Criteria: ARUP Molecular Germline Variant Investigation Process 2024. Collection method: clinical testing. Allele origin: germline.

Blueprint Genetics
Classification: Likely benign. Last evaluated: 2024-11-26. Review status: criteria provided, single submitter. Criteria: ACMG Guidelines, 2015. Collection method: clinical testing. Allele origin: germline.

Mendelics
Classification: Benign. Last evaluated: 2022-05-04. Review status: criteria provided, single submitter. Criteria: Mendelics Assertion Criteria 2019. Collection method: clinical testing. Allele origin: germline.

Labcorp Genetics (formerly Invitae), Labcorp
Classification: Benign for Cystic fibrosis. Last evaluated: 2021-12-18. Review status: criteria provided, single submitter. Criteria: Invitae Variant Classification Sherloc (09022015). Collection method: clinical testing. Allele origin: germline.

Ambry Genetics
Classification: Likely benign for Inborn genetic diseases. Last evaluated: 2018-11-06. Review status: criteria provided, single submitter. Criteria: Ambry Autosomal Dominant and X-Linked criteria (3/2017). Collection method: clinical testing. Allele origin: germline. Observed: 1 variant allele.
Comment: Intact protein function observed by in vitro/ex vivo assays;Intronic alteration with no splicing impact by rt-pcr analysis or other splicing assay;Other strong data

CFTR-France
Classification: Benign for cystic fibrosis. Last evaluated: 2018-01-29. Review status: criteria provided, single submitter. Criteria: Claustres M et al. (Hum Mutat 2017). Collection method: curation. Allele origin: germline. Affected: yes and no.
Comment: the variant does not result in CFTR-RD neither

Center for Pediatric Genomic Medicine, Children's Mercy Hospital and Clinics
Classification: Likely benign. Last evaluated: 2017-08-16. Review status: criteria provided, single submitter. Criteria: ACMG Guidelines, 2015. Collection method: clinical testing. Allele origin: germline.

Eurofins Ntd Llc (ga)
Classification: Benign. Last evaluated: 2014-09-29. Review status: criteria provided, single submitter. Criteria: EGL Classification Definitions. Collection method: clinical testing. Allele origin: germline. Observed: 2 variant alleles, 2 heterozygotes.

Laboratory for Molecular Medicine, Mass General Brigham Personalized Medicine
Classification: Benign. Last evaluated: 2014-04-24. Review status: criteria provided, single submitter. Criteria: LMM Criteria. Collection method: clinical testing. Allele origin: germline. Observed: 8 variant alleles.

Diagnostic Laboratory, Department of Genetics, University Medical Center Groningen
Classification: Likely benign. Review status: no assertion criteria provided. Collection method: clinical testing. Allele origin: germline. Affected: yes. Study: VKGL Data-share Consensus. Not counted in ClinVar's aggregate classification.

GeneReviews
No classification provided. Condition: Cystic fibrosis. Review status: no classification provided. Collection method: literature only. Allele origin: unknown. Not counted in ClinVar's aggregate classification.
Comment: The severity of lung disease in individuals heterozygous or homozygous for p.Arg117His depends on the presence of a variation in the poly T tract of intron 9, c.1210-12T[5_9] [Massie et al 2001]. Individuals with a CF-causing variant plus the 5T variant in cis with p.Arg117His usually develop the lung disease of CF, but those individuals with p.Arg117His and the 7T variant or the 9T variant have a highly variable phenotype that can range from no symptoms to mild lung disease [Kiesewetter et al 1993, Chmiel et al 1999].

Genome Diagnostics Laboratory, University Medical Center Utrecht
Classification: Likely benign. Review status: no assertion criteria provided. Collection method: clinical testing. Allele origin: germline. Affected: yes. Study: VKGL Data-share Consensus. Not counted in ClinVar's aggregate classification.

Literature cited by the submitters: PubMed 7684646 (cited by Laboratory for Molecular Medicine, Mass General Brigham Personalized Medicine); PubMed 7506096 (cited by Laboratory for Molecular Medicine, Mass General Brigham Personalized Medicine and GeneReviews); PubMed 7739684 (cited by Laboratory for Molecular Medicine, Mass General Brigham Personalized Medicine); PubMed 15371902 (cited by GeneReviews); PubMed 11491164 (cited by GeneReviews); PubMed 10103316 (cited by GeneReviews); PubMed 20301428 (cited by GeneReviews).